The following is an entry in ClinVar:

NM_001370259.2(MEN1):c.424T>C (p.Ser142Pro)

Gene: MEN1 (menin 1; minus strand). Cytogenetic location: 11q13.1.
Variant type: single nucleotide variant.
Coding change: c.424T>C on transcript NM_001370259.2 (MANE Select); coding-DNA position 424, T replaced by C.
Protein change: p.Ser142Pro; replaces serine 142 with proline.
Molecular consequence: missense variant. On other transcripts: non-coding transcript variant (4).
Genome position (GRCh38, 1-based): chr11:64,809,686, A>G on the plus strand (T>C on the coding strand, the complement: MEN1 is on the minus strand). VCF-style: chr11-64809686-A-G. GRCh37 (hg19) VCF-style: chr11-64577158-A-G.
Other names: c.424T>C, p.Ser142Pro (NM_000244.4, NM_001370251.2, NM_001370260.2 and 20 more transcripts); short protein forms S142P.
Identifiers: ClinVar variation 3294203 (VCV003294203.1).
Genomic context (GRCh38, chr11:64,809,686, plus strand): 5'-GTGGGTCATGGATAAGATTCCCACCTACTGGGCTCCAACCTGTGATGAAGCTGAAGAGGG[A>G]CTGGATGTGGGCCCGATCCTTGAAGTAGGAGCGGCTGAGGCTGTTCCATATGACATCGGA-3'
Protein context (NP_001357188.2, residues 132-152): SYFKDRAHIQ[Ser142Pro]LFSFITGTKL

ClinVar aggregate classification (germline): Likely pathogenic (1 of 4 stars; one submission).

Conditions:
Hereditary cancer-predisposing syndrome. Also called: Tumor predisposition; Hereditary Cancer Syndrome; Hereditary neoplastic syndrome; Neoplastic Syndromes, Hereditary. Identifiers: Orphanet 140162, MedGen C0027672, MeSH D009386, MONDO:0015356.

Submission:

Ambry Genetics
Classification: Likely pathogenic for Hereditary cancer-predisposing syndrome. Last evaluated: 2024-03-27. Review status: criteria provided, single submitter. Criteria: Ambry Variant Classification Scheme 2023. Collection method: clinical testing. Allele origin: germline.
Comment: The p.S142P variant (also known as c.424T>C), located in coding exon 1 of the MEN1 gene, results from a T to C substitution at nucleotide position 424. The serine at codon 142 is replaced by proline, an amino acid with similar properties. This alteration has been observed in at least one individual with a personal and/or family history that is consistent with MEN1-related disease (Ambry internal data). Based on internal structural analysis, this variant is disruptive to the structure of the MEN1 protein (Huang J et al. Nature, 2012 Feb;482:542-6; Pollock J et al. J Med Chem, 2015 Sep;58:7465-74). This amino acid position is highly conserved in available vertebrate species. In addition, this alteration is predicted to be deleterious by in silico analysis. This variant is considered to be rare based on population cohorts in the Genome Aggregation Database (gnomAD). Based on the majority of available evidence to date, this variant is likely to be pathogenic.

Literature cited by the submitters: PubMed 22327296; PubMed 26288158.